The following is an entry in ClinVar:

ClinVar aggregate classification (germline): Likely benign. Review status: criteria provided, multiple submitters, no conflicts (2 of 4 stars). 2 submissions from 2 submitters: Likely benign (2). Last evaluated 2024-09-23.

Conditions:
Hereditary diffuse gastric adenocarcinoma (HDGC). Also called: DIFFUSE GASTRIC AND LOBULAR BREAST CANCER SYNDROME. Identifiers: Orphanet 26106, MedGen C1708349, MONDO:0007648, OMIM 137215.

Submissions (2):

Myriad Genetics, Inc.
Classification: Likely benign for Hereditary diffuse gastric adenocarcinoma. Last evaluated: 2024-09-23. Review status: criteria provided, single submitter. Criteria: Myriad Autosomal Dominant, Autosomal Recessive and X-Linked Classification Criteria (2023). Collection method: clinical testing. Allele origin: unknown.
Comment: This variant is considered likely benign. This variant is intronic and is not expected to impact mRNA splicing.

GeneDx
Classification: Likely benign. Last evaluated: 2017-10-03. Review status: criteria provided, single submitter. Criteria: GeneDx Variant Classification (06012015). Collection method: clinical testing. Allele origin: germline. Affected: yes.
Comment: This variant is considered likely benign or benign based on one or more of the following criteria: it is a conservative change, it occurs at a poorly conserved position in the protein, it is predicted to be benign by multiple in silico algorithms, and/or has population frequency not consistent with disease.

NM_004360.5(CDH1):c.2439+9T>C

Gene: CDH1 (cadherin 1; plus strand). Cytogenetic location: 16q22.1.
Variant type: single nucleotide variant.
Coding change: c.2439+9T>C on transcript NM_004360.5 (MANE Select); 9 bases into the intron after coding-DNA position 2439, T replaced by C.
Molecular consequence: intron variant.
Genome position (GRCh38, 1-based): chr16:68,829,806, T>C. VCF-style: chr16-68829806-T-C. GRCh37 (hg19) VCF-style: chr16-68863709-T-C.
Other names: c.891+9T>C (NM_001317185.2); c.474+9T>C (NM_001317186.2); c.2256+9T>C (NM_001317184.2); c.2439+9T>C (LRG_301t1).
Identifiers: ClinVar variation 512542 (VCV000512542.2), dbSNP rs1555517919, ClinGen allele CA658798636.